The following is an entry in ClinVar:

ClinVar aggregate classification (germline): Uncertain significance (1 of 4 stars; one submission).

Conditions:
Wilson-Turner syndrome (WTS). Also called: MENTAL RETARDATION, X-LINKED, SYNDROMIC 6; INTELLECTUAL DEVELOPMENTAL DISORDER, X-LINKED, SYNDROMIC, WILSON-TURNER TYPE. Identifiers: Orphanet 3459, MedGen C1839736, MONDO:0010665, OMIM 309585.

Allele frequency attached by ClinVar (database versions not stated): TOPMed below 0.00001; gnomAD exomes 0.00001; ExAC 0.00002; gnomAD 0.00002.

Submission:

Labcorp Genetics (formerly Invitae), Labcorp
Classification: Uncertain significance for Wilson-Turner syndrome. Last evaluated: 2019-10-17. Review status: criteria provided, single submitter. Criteria: Invitae Variant Classification Sherloc (09022015). Collection method: clinical testing. Allele origin: germline.
Comment: Algorithms developed to predict the effect of missense changes on protein structure and function are either unavailable or do not agree on the potential impact of this missense change (SIFT: "Tolerated"; PolyPhen-2: "Possibly Damaging"; Align-GVGD: "Class C0"). In summary, the available evidence is currently insufficient to determine the role of this variant in disease. Therefore, it has been classified as a Variant of Uncertain Significance. This variant has not been reported in the literature in individuals with LAS1L-related conditions. This variant is present in population databases (rs762931496, ExAC 0.004%), including at least one homozygous and/or hemizygous individual. This sequence change replaces glutamic acid with lysine at codon 495 of the LAS1L protein (p.Glu495Lys). The glutamic acid residue is moderately conserved and there is a small physicochemical difference between glutamic acid and lysine.

NM_031206.7(LAS1L):c.1483G>A (p.Glu495Lys)

Gene: LAS1L (LAS1 like ribosome biogenesis factor; minus strand). Cytogenetic location: Xq12.
Variant type: single nucleotide variant.
Coding change: c.1483G>A on transcript NM_031206.7 (MANE Select); coding-DNA position 1483, G replaced by A.
Protein change: p.Glu495Lys; replaces glutamic acid 495 with lysine.
Molecular consequence: missense variant. On other transcripts: non-coding transcript variant (1).
Genome position (GRCh38, 1-based): chrX:65,518,431, C>T on the plus strand (G>A on the coding strand, the complement: LAS1L is on the minus strand). VCF-style: chrX-65518431-C-T. GRCh37 (hg19) VCF-style: chrX-64738311-C-T.
Other names: c.1432G>A, p.Glu478Lys (NM_001170649.2, NM_001375333.1); c.1306G>A, p.Glu436Lys (NM_001170650.2); c.1483G>A, p.Glu495Lys (NM_001375328.1); c.526G>A, p.Glu176Lys (NM_001375332.1); short protein forms E495K, E176K, E436K, E478K.
Identifiers: ClinVar variation 964726 (VCV000964726.10), dbSNP rs762931496, ClinGen allele CA10433905.